The following is an entry in ClinVar:

NM_000256.3(MYBPC3):c.2447A>G (p.Tyr816Cys)

Gene: MYBPC3 (myosin binding protein C3; minus strand). Cytogenetic location: 11p11.2.
Variant type: single nucleotide variant.
Coding change: c.2447A>G on transcript NM_000256.3 (MANE Select); coding-DNA position 2447, A replaced by G.
Protein change: p.Tyr816Cys; replaces tyrosine 816 with cysteine.
Molecular consequence: missense variant.
Genome position (GRCh38, 1-based): chr11:47,337,546, T>C on the plus strand (A>G on the coding strand, the complement: MYBPC3 is on the minus strand). VCF-style: chr11-47337546-T-C. GRCh37 (hg19) VCF-style: chr11-47359097-T-C.
Other names: c.2447A>G, p.Tyr816Cys (LRG_386t1); short protein forms Y816C.
Identifiers: ClinVar variation 629581 (VCV000629581.9), dbSNP rs1565625347, ClinGen allele CA380318404.

ClinVar aggregate classification (germline): Uncertain significance. Review status: criteria provided, multiple submitters, no conflicts (2 of 4 stars). 2 submissions from 2 submitters: Uncertain significance (2). Last evaluated 2023-12-05.

Conditions:
Cardiomyopathy (CMYO). Also called: Cardiomyopathies. Identifiers: Orphanet 167848, MedGen C0878544, MONDO:0004994, HP:0001638. Inheritance: Various modes of inheritance.
Hypertrophic cardiomyopathy. Also called: HYPERTROPHIC MYOCARDIOPATHY. Identifiers: Orphanet 217569, MedGen C0007194, MeSH D002312, MONDO:0005045, HP:0001639.

Submissions (2):

Color Diagnostics, LLC DBA Color Health
Classification: Uncertain significance for Cardiomyopathy. Last evaluated: 2023-12-05. Review status: criteria provided, single submitter. Criteria: ACMG Guidelines, 2015. Collection method: clinical testing. Allele origin: germline.
Comment: Variant of Uncertain Significance due to insufficient evidence: This missense variant is located in the fibronectin type 3 domain C6 of the MYBPC3 protein. Computational prediction tools and conservation analyses are inconclusive regarding the impact of this variant on the protein function. Computational splicing tools suggest that this variant may not impact RNA splicing. To our knowledge, functional assays have not been performed for this variant nor has this variant been reported in individuals affected with cardiovascular disorders in the literature. This variant is rare in the general population and has been identified in 0/277264 chromosomes by the Genome Aggregation Database (gnomAD). Available evidence is insufficient to determine the pathogenicity of this variant conclusively.

Labcorp Genetics (formerly Invitae), Labcorp
Classification: Uncertain significance for Hypertrophic cardiomyopathy. Last evaluated: 2022-10-01. Review status: criteria provided, single submitter. Criteria: Invitae Variant Classification Sherloc (09022015). Collection method: clinical testing. Allele origin: germline.
Comment: In summary, the available evidence is currently insufficient to determine the role of this variant in disease. Therefore, it has been classified as a Variant of Uncertain Significance. Algorithms developed to predict the effect of missense changes on protein structure and function (SIFT, PolyPhen-2, Align-GVGD) all suggest that this variant is likely to be disruptive. ClinVar contains an entry for this variant (Variation ID: 629581). This variant has not been reported in the literature in individuals affected with MYBPC3-related conditions. This variant is not present in population databases (gnomAD no frequency). This sequence change replaces tyrosine, which is neutral and polar, with cysteine, which is neutral and slightly polar, at codon 816 of the MYBPC3 protein (p.Tyr816Cys).